The following is an entry in ClinVar:

ClinVar aggregate classification (germline): Uncertain significance (1 of 4 stars; one submission).

Submission:

Labcorp Genetics (formerly Invitae), Labcorp
Classification: Uncertain significance. Last evaluated: 2025-04-14. Review status: criteria provided, single submitter. Criteria: Invitae Variant Classification Sherloc (09022015). Collection method: clinical testing. Allele origin: germline.
Comment: This sequence change replaces serine, which is neutral and polar, with asparagine, which is neutral and polar, at codon 757 of the TOPORS protein (p.Ser757Asn). This variant is not present in population databases (gnomAD no frequency). This variant has not been reported in the literature in individuals affected with TOPORS-related conditions. An algorithm developed to predict the effect of missense changes on protein structure and function outputs the following: PolyPhen-2: "Not Available". The asparagine amino acid residue is found in multiple mammalian species, which suggests that this missense change does not adversely affect protein function. In summary, the available evidence is currently insufficient to determine the role of this variant in disease. Therefore, it has been classified as a Variant of Uncertain Significance.

NM_005802.5(TOPORS):c.2270G>A (p.Ser757Asn)

Gene: TOPORS (TOP1 binding arginine/serine rich protein, E3 ubiquitin ligase; minus strand). Cytogenetic location: 9p21.1.
Variant type: single nucleotide variant.
Coding change: c.2270G>A on transcript NM_005802.5 (MANE Select); coding-DNA position 2270, G replaced by A.
Protein change: p.Ser757Asn; replaces serine 757 with asparagine.
Molecular consequence: missense variant.
Genome position (GRCh38, 1-based): chr9:32,542,255, C>T on the plus strand (G>A on the coding strand, the complement: TOPORS is on the minus strand). VCF-style: chr9-32542255-C-T. GRCh37 (hg19) VCF-style: chr9-32542253-C-T.
Other names: c.2075G>A, p.Ser692Asn (NM_001195622.2); short protein forms S757N, S692N.
Identifiers: ClinVar variation 4713795 (VCV004713795.1).
Genomic context (GRCh38, chr9:32,542,255, plus strand): 5'-GATCTGTTACTAGACAGGCTCCTTGATCTGTGCCTTTCATAGTAGTAATACTTCCTCTCA[C>T]TGTGATTATTTTTTTTCCTAGCATTTGTTCTTTCAGAAAAGGACTGAACTCTAAATTCTG-3'
Protein context (NP_005793.2, residues 747-767): RTNARKKNNH[Ser757Asn]ERKYYYYERH